The following is an entry in ClinVar:

NM_003560.4(PLA2G6):c.1036C>T (p.Arg346Cys)

Gene: PLA2G6 (phospholipase A2 group VI; minus strand). Cytogenetic location: 22q13.1.
Variant type: single nucleotide variant.
Coding change: c.1036C>T on transcript NM_003560.4 (MANE Select); coding-DNA position 1036, C replaced by T.
Protein change: p.Arg346Cys; replaces arginine 346 with cysteine.
Molecular consequence: missense variant.
Genome position (GRCh38, 1-based): chr22:38,132,872, G>A on the plus strand (C>T on the coding strand, the complement: PLA2G6 is on the minus strand). VCF-style: chr22-38132872-G-A. GRCh37 (hg19) VCF-style: chr22-38528879-G-A.
Other names: p.Arg346Cys; c.1036C>T, p.Arg346Cys (NM_001004426.3, NM_001199562.3, NM_001349864.2 and 2 more transcripts); c.502C>T, p.Arg168Cys (NM_001349867.2, NM_001349869.2); c.358C>T, p.Arg120Cys (NM_001349868.2); short protein forms R120C, R168C, R346C.
Identifiers: ClinVar variation 1678415 (VCV001678415.4), dbSNP rs775645331, ClinGen allele CA10231071.

ClinVar aggregate classification (germline): Uncertain significance. Review status: criteria provided, multiple submitters, no conflicts (2 of 4 stars). 3 submissions from 3 submitters: Uncertain significance (3). Last evaluated 2023-11-08.

Conditions:
Infantile neuroaxonal dystrophy (NBIA2A). Also called: NEURODEGENERATION WITH BRAIN IRON ACCUMULATION 2A; SEITELBERGER DISEASE; Infantile neuroaxonal dystrophy 1. Identifiers: Orphanet 35069, MedGen C0270724, MONDO:0024457, OMIM 256600.

Allele frequency attached by ClinVar (database versions not stated): gnomAD 0.00001 and 0.00003; TOPMed 0.00002; gnomAD exomes 0.00005 and 0.00004; ExAC 0.00016.
gnomAD v4.1: 56 of 1,553,028 alleles (0.0036%); highest among the groups gnomAD compares: South Asian, 0.052%; no homozygotes.

Submissions (3):

Mayo Clinic Laboratories, Mayo Clinic
Classification: Uncertain significance. Last evaluated: 2023-11-08. Review status: criteria provided, single submitter. Criteria: ACMG Guidelines, 2015. Collection method: clinical testing. Allele origin: germline. Observed: 1 variant allele.

Labcorp Genetics (formerly Invitae), Labcorp
Classification: Uncertain significance for Infantile neuroaxonal dystrophy. Last evaluated: 2022-09-07. Review status: criteria provided, single submitter. Criteria: Invitae Variant Classification Sherloc (09022015). Collection method: clinical testing. Allele origin: germline.
Comment: This sequence change replaces arginine, which is basic and polar, with cysteine, which is neutral and slightly polar, at codon 346 of the PLA2G6 protein (p.Arg346Cys). The frequency data for this variant in the population databases is considered unreliable, as metrics indicate poor data quality at this position in the gnomAD database. This variant has not been reported in the literature in individuals affected with PLA2G6-related conditions. ClinVar contains an entry for this variant (Variation ID: 1678415). Advanced modeling of protein sequence and biophysical properties (such as structural, functional, and spatial information, amino acid conservation, physicochemical variation, residue mobility, and thermodynamic stability) performed at Invitae indicates that this missense variant is expected to disrupt PLA2G6 protein function. In summary, the available evidence is currently insufficient to determine the role of this variant in disease. Therefore, it has been classified as a Variant of Uncertain Significance.

AiLife Diagnostics
Classification: Uncertain significance. Last evaluated: 2021-06-10. Review status: criteria provided, single submitter. Criteria: ACMG Guidelines, 2015. Collection method: clinical testing. Allele origin: germline. Affected: yes. Observed: 1 variant allele.

Literature cited by the submitters: PubMed 32707456 (cited by Mayo Clinic Laboratories, Mayo Clinic).